The following is an entry in ClinVar:

ClinVar aggregate classification (germline): Uncertain significance. Review status: criteria provided, multiple submitters, no conflicts (2 of 4 stars). 4 submissions from 4 submitters: Uncertain significance (4). Last evaluated 2025-11-18.

Conditions:
Combined immunodeficiency due to ORAI1 deficiency. Also called: IMMUNODEFICIENCY 9. Identifiers: Orphanet 169090, Orphanet 317428, MedGen C2748568, MONDO:0013007, OMIM 612782.
Myopathy, tubular aggregate, 2 (TAM2). Identifiers: MedGen C4014557, MONDO:0014383, OMIM 615883.

Submissions (4):

Labcorp Genetics (formerly Invitae), Labcorp
Classification: Uncertain significance for Myopathy, tubular aggregate, 2; Combined immunodeficiency due to ORAI1 deficiency. Last evaluated: 2025-11-18. Review status: criteria provided, single submitter. Criteria: Invitae Variant Classification Sherloc (09022015). Collection method: clinical testing. Allele origin: germline.
Comment: This sequence change replaces glycine, which is neutral and non-polar, with serine, which is neutral and polar, at codon 20 of the ORAI1 protein (p.Gly20Ser). This variant is not present in population databases (gnomAD no frequency). This variant has not been reported in the literature in individuals affected with ORAI1-related conditions. ClinVar contains an entry for this variant (Variation ID: 963454). Experimental studies and prediction algorithms are not available or were not evaluated, and the functional significance of this variant is currently unknown. In summary, the available evidence is currently insufficient to determine the role of this variant in disease. Therefore, it has been classified as a Variant of Uncertain Significance.

CeGaT Center for Human Genetics Tuebingen
Classification: Uncertain significance. Last evaluated: 2024-03-01. Review status: criteria provided, single submitter. Criteria: CeGaT Center For Human Genetics Tuebingen Variant Classification Criteria Version 2. Collection method: clinical testing. Allele origin: germline. Affected: yes. Observed: 1 variant allele.
Comment: ORAI1: PM2

Revvity Omics, Revvity
Classification: Uncertain significance. Last evaluated: 2024-03-01. Review status: criteria provided, single submitter. Criteria: ACMG Guidelines, 2015. Collection method: clinical testing. Allele origin: germline.

Women's Health and Genetics/Laboratory Corporation of America, LabCorp
Classification: Uncertain significance. Last evaluated: 2024-01-12. Review status: criteria provided, single submitter. Criteria: LabCorp Variant Classification Summary - May 2015. Collection method: clinical testing. Allele origin: germline.
Comment: Variant summary: ORAI1 c.58G>A (p.Gly20Ser) results in a non-conservative amino acid change in the encoded protein sequence. Three of four in-silico tools predict a benign effect of the variant on protein function. The frequency data for this variant in gnomAD is considered unreliable, as metrics indicate poor data quality at this position. To our knowledge, no occurrence of c.58G>A in individuals affected with Myopathy, Tubular Aggregate, 2 and no experimental evidence demonstrating its impact on protein function have been reported. ClinVar contains an entry for this variant (Variation ID: 963454). Based on the evidence outlined above, the variant was classified as uncertain significance.

NM_032790.4(ORAI1):c.58G>A (p.Gly20Ser)

Genes: ORAI1 (ORAI calcium release-activated calcium modulator 1; plus strand), LOC130008987 (ATAC-STARR-seq lymphoblastoid silent region 4981; plus strand). Cytogenetic location: 12q24.31.
Variant type: single nucleotide variant.
Coding change: c.58G>A on transcript NM_032790.4 (MANE Select); coding-DNA position 58, G replaced by A.
Protein change: p.Gly20Ser; replaces glycine 20 with serine.
Genome position (GRCh38, 1-based): chr12:121,626,800, G>A. VCF-style: chr12-121626800-G-A. GRCh37 (hg19) VCF-style: chr12-122064705-G-A.
Other names: short protein forms G20S.
Identifiers: ClinVar variation 963454 (VCV000963454.31), dbSNP rs1244560316, ClinGen allele CA386980365.